The following is an entry in ClinVar:

ClinVar aggregate classification (germline): Uncertain significance (1 of 4 stars; one submission).

gnomAD v4.1: 9 of 1,596,850 alleles (0.00056%); highest among the groups gnomAD compares: East Asian, 0.018%; no homozygotes.

Submission:

Women's Health and Genetics/Laboratory Corporation of America, LabCorp
Classification: Uncertain significance. Last evaluated: 2026-04-24. Review status: criteria provided, single submitter. Criteria: LabCorp Variant Classification Summary - May 2015. Collection method: clinical testing. Allele origin: germline.
Comment: Variant summary: MECOM c.-234897A>G is located in the untranscribed region upstream of the MECOM gene region. The variant allele was found at a frequency of 8.2e-06 in 243870 control chromosomes. The available data on variant occurrences in the general population are insufficient to allow any conclusion about variant significance. To our knowledge, no occurrence of c.-234897A>G in individuals affected with MECOM-related conditions and no experimental evidence demonstrating its impact on protein function have been reported. No submitters have cited clinical-significance assessments for this variant to ClinVar. Based on the evidence outlined above, the variant was classified as uncertain significance.

NM_004991.4(MECOM):c.375+3A>G

Gene: MECOM (MDS1 and EVI1 complex locus; minus strand). Cytogenetic location: 3q26.2.
Variant type: single nucleotide variant.
Coding change: c.375+3A>G on transcript NM_004991.4 (MANE Select); 3 bases into the intron after coding-DNA position 375, A replaced by G.
Molecular consequence: intron variant. On other transcripts: genic upstream transcript variant (1).
Genome position (GRCh38, 1-based): chr3:169,381,184, T>C on the plus strand (A>G on the coding strand, the complement: MECOM is on the minus strand). VCF-style: chr3-169381184-T-C. GRCh37 (hg19) VCF-style: chr3-169098972-T-C.
Other names: c.-234897A>G (NM_001105078.4); c.-189-237352A>G (NM_001205194.2); c.375+3A>G (NM_001366473.2, NM_001366466.2).
Identifiers: ClinVar variation 4849106 (VCV004849106.1).